The following is an entry in ClinVar:

ClinVar aggregate classification (germline): Pathogenic (1 of 4 stars; one submission).

Conditions:
Tuberous sclerosis 2 (TSC2). Identifiers: Orphanet 805, MedGen C1860707, MONDO:0013199, OMIM 613254.

Submission:

Labcorp Genetics (formerly Invitae), Labcorp
Classification: Pathogenic for Tuberous sclerosis 2. Last evaluated: 2025-03-30. Review status: criteria provided, single submitter. Criteria: Invitae Variant Classification Sherloc (09022015). Collection method: clinical testing. Allele origin: germline.
Comment: This sequence change creates a premature translational stop signal (p.Trp1060*) in the TSC2 gene. It is expected to result in an absent or disrupted protein product. Loss-of-function variants in TSC2 are known to be pathogenic (PMID: 10205261, 17304050). This variant is not present in population databases (gnomAD no frequency). This premature translational stop signal has been observed in individual(s) with tuberous sclerosis complex (PMID: 35870981). For these reasons, this variant has been classified as Pathogenic.

Literature cited by the submitters: PubMed 10205261; PubMed 17304050; PubMed 35870981.

NM_000548.5(TSC2):c.3179G>A (p.Trp1060Ter)

Gene: TSC2 (TSC complex subunit 2; plus strand). Cytogenetic location: 16p13.3.
Variant type: single nucleotide variant.
Coding change: c.3179G>A on transcript NM_000548.5 (MANE Select); coding-DNA position 3179, G replaced by A.
Protein change: p.Trp1060Ter; replaces tryptophan 1060 with a stop codon.
Molecular consequence: nonsense. On other transcripts: non-coding transcript variant (5).
Genome position (GRCh38, 1-based): chr16:2,079,323, G>A. VCF-style: chr16-2079323-G-A. GRCh37 (hg19) VCF-style: chr16-2129324-G-A.
Other names: c.2447G>A, p.Trp816Ter (NM_001318831.2, NM_001406687.1, NM_001406688.1); c.3080G>A, p.Trp1027Ter (NM_001318832.2); c.3050G>A, p.Trp1017Ter (NM_001363528.2, NM_001370405.1, NM_021055.3); c.3047G>A, p.Trp1016Ter (NM_001370404.1, NM_001406665.1, NM_001077183.3); c.3176G>A, p.Trp1059Ter (NM_001406663.1, NM_001406664.1); c.3140G>A, p.Trp1047Ter (NM_001406667.1); c.3137G>A, p.Trp1046Ter (NM_001406668.1); c.2588G>A, p.Trp863Ter (NM_001406681.1); and 18 more; short protein forms W612*, W816*, W1010*, W1011*, W1013*, W1016*, W1047*, W1060*.
Identifiers: ClinVar variation 4716290 (VCV004716290.1).